The following is an entry in ClinVar:

ClinVar aggregate classification (germline): Uncertain significance (1 of 4 stars; one submission).

Conditions:
Perlman syndrome (PRLMNS). Identifiers: Orphanet 2849, MedGen C0796113, MONDO:0009965, OMIM 267000.

Submission:

Labcorp Genetics (formerly Invitae), Labcorp
Classification: Uncertain significance for Perlman syndrome. Last evaluated: 2022-07-16. Review status: criteria provided, single submitter. Criteria: Invitae Variant Classification Sherloc (09022015). Collection method: clinical testing. Allele origin: germline.
Comment: This sequence change replaces glutamic acid, which is acidic and polar, with glutamine, which is neutral and polar, at codon 659 of the DIS3L2 protein (p.Glu659Gln). In summary, the available evidence is currently insufficient to determine the role of this variant in disease. Therefore, it has been classified as a Variant of Uncertain Significance. Algorithms developed to predict the effect of missense changes on protein structure and function (SIFT, PolyPhen-2, Align-GVGD) all suggest that this variant is likely to be tolerated. This variant has not been reported in the literature in individuals affected with DIS3L2-related conditions. This variant is not present in population databases (gnomAD no frequency).

NM_152383.5(DIS3L2):c.1975G>C (p.Glu659Gln)

Gene: DIS3L2 (DIS3 like 3'-5' exoribonuclease 2; plus strand). Cytogenetic location: 2q37.1.
Variant type: single nucleotide variant.
Coding change: c.1975G>C on transcript NM_152383.5 (MANE Select); coding-DNA position 1975, G replaced by C.
Protein change: p.Glu659Gln; replaces glutamic acid 659 with glutamine.
Molecular consequence: missense variant. On other transcripts: non-coding transcript variant (2), intron variant (1).
Genome position (GRCh38, 1-based): chr2:232,330,741, G>C. VCF-style: chr2-232330741-G-C. GRCh37 (hg19) VCF-style: chr2-233195451-G-C.
Other names: c.1582-12604G>C (NM_001257281.2); short protein forms E659Q.
Identifiers: ClinVar variation 2125330 (VCV002125330.4), dbSNP rs1453988722, ClinGen allele CA350976663.
Genomic context (GRCh38, chr2:232,330,741, plus strand): 5'-TGCTTCTAGAAAAGCCTGACCCAAACATTTGGAGATGACAAGTACTCACTGGCCCGCAAG[G>C]AGGTGCTCACCAACATGTGCTCCCGGCCCATGCAGGTAAGGAGGGCCCAGCCCCGGCCTC-3'
Protein context (NP_689596.4, residues 649-669): GDDKYSLARK[Glu659Gln]VLTNMCSRPM